The following is an entry in ClinVar:

ClinVar aggregate classification (germline): Conflicting classifications of pathogenicity. Review status: criteria provided, conflicting classifications (1 of 4 stars). 3 submissions from 3 submitters: Uncertain significance (2); Likely benign (1). Last evaluated 2026-01-06.

Conditions:
Inborn genetic diseases. Identifiers: MedGen C0950123, MeSH D030342.

Allele frequency attached by ClinVar (database versions not stated): ExAC 0.00002; gnomAD exomes 0.00004; TOPMed 0.00004; ESP Exome Variant Server 0.00008.
gnomAD v4.1: 174 of 1,613,934 alleles (0.011%); highest among the groups gnomAD compares: Non-Finnish European, 0.014%; no homozygotes.

Submissions (3):

Labcorp Genetics (formerly Invitae), Labcorp
Classification: Likely benign. Last evaluated: 2026-01-06. Review status: criteria provided, single submitter. Criteria: Invitae Variant Classification Sherloc (09022015). Collection method: clinical testing. Allele origin: germline.

Ambry Genetics
Classification: Uncertain significance for Inborn genetic diseases. Last evaluated: 2025-09-09. Review status: criteria provided, single submitter. Criteria: Ambry Variant Classification Scheme 2023. Collection method: clinical testing. Allele origin: germline.

ARUP Laboratories, Molecular Genetics and Genomics, ARUP Laboratories
Classification: Uncertain significance. Last evaluated: 2019-01-12. Review status: criteria provided, single submitter. Criteria: ARUP Molecular Germline Variant Investigation Process. Collection method: clinical testing. Allele origin: germline.
Comment: The FLNB c.1135A>G; p.Ile379Val variant (rs374118649), to our knowledge, is not reported in the medical literature or in gene-specific databases. It is observed in the non-Finnish European population at an overall frequency of 0.0093% (12/129164 alleles) in the Genome Aggregation Database. The isoleucine at codon 379 is moderately conserved, but computational algorithms (PolyPhen-2, SIFT) predict that this variant is tolerated. Due to the lack of clinical and functional data regarding this variant, its clinical significance cannot be determined with certainty.

NM_001457.4(FLNB):c.1135A>G (p.Ile379Val)

Gene: FLNB (filamin B; plus strand). Cytogenetic location: 3p14.3.
Variant type: single nucleotide variant.
Coding change: c.1135A>G on transcript NM_001457.4 (MANE Select); coding-DNA position 1135, A replaced by G.
Protein change: p.Ile379Val; replaces isoleucine 379 with valine.
Molecular consequence: missense variant.
Genome position (GRCh38, 1-based): chr3:58,097,965, A>G. VCF-style: chr3-58097965-A-G. GRCh37 (hg19) VCF-style: chr3-58083692-A-G.
Other names: c.1135A>G (NM_001457.3); c.1135A>G, p.Ile379Val (NM_001164317.2, NM_001164318.2, NM_001164319.2); short protein forms I379V.
Identifiers: ClinVar variation 811561 (VCV000811561.13), dbSNP rs374118649, ClinGen allele CA2467701.